The following is an entry in ClinVar:

NM_005732.4(RAD50):c.112A>G (p.Asn38Asp)

Gene: RAD50 (RAD50 double strand break repair protein; plus strand). Cytogenetic location: 5q31.1.
Variant type: single nucleotide variant.
Coding change: c.112A>G on transcript NM_005732.4 (MANE Select); coding-DNA position 112, A replaced by G.
Protein change: p.Asn38Asp; replaces asparagine 38 with aspartic acid.
Molecular consequence: missense variant.
Genome position (GRCh38, 1-based): chr5:132,557,436, A>G. VCF-style: chr5-132557436-A-G. GRCh37 (hg19) VCF-style: chr5-131893128-A-G.
Other names: short protein forms N38D.
Identifiers: ClinVar variation 963716 (VCV000963716.10), dbSNP rs767540717, ClinGen allele CA3404887.
Genomic context (GRCh38, chr5:132,557,436, plus strand): 5'-GAGGACAAAGATAAGCAAATTATCACTTTCTTCAGCCCCCTTACAATTTTGGTTGGACCC[A>G]ATGGGGCGGGAAAGACGGTAAGTCTTCAGTAGCCGCCTTCAGTTTACAGGTCGCTACATC-3'
Protein context (NP_005723.2, residues 28-48): FSPLTILVGP[Asn38Asp]GAGKTTIIEC

ClinVar aggregate classification (germline): Uncertain significance (1 of 4 stars; one submission).

Conditions:
Hereditary cancer-predisposing syndrome. Also called: Tumor predisposition; Hereditary neoplastic syndrome; Hereditary Cancer Syndrome; Neoplastic Syndromes, Hereditary. Identifiers: Orphanet 140162, MedGen C0027672, MeSH D009386, MONDO:0015356.

Allele frequency attached by ClinVar (database versions not stated): gnomAD exomes below 0.00001; ExAC 0.00001; gnomAD 0.00001.
gnomAD v4.1: 3 of 1,614,106 alleles (0.00019%); highest among the groups gnomAD compares: East Asian, 0.0022%; no homozygotes.

Submission:

Labcorp Genetics (formerly Invitae), Labcorp
Classification: Uncertain significance for Hereditary cancer-predisposing syndrome. Last evaluated: 2023-04-26. Review status: criteria provided, single submitter. Criteria: Invitae Variant Classification Sherloc (09022015). Collection method: clinical testing. Allele origin: germline.
Comment: ClinVar contains an entry for this variant (Variation ID: 963716). This variant has not been reported in the literature in individuals affected with RAD50-related conditions. This variant is present in population databases (rs767540717, gnomAD 0.003%). This sequence change replaces asparagine, which is neutral and polar, with aspartic acid, which is acidic and polar, at codon 38 of the RAD50 protein (p.Asn38Asp). Advanced modeling of protein sequence and biophysical properties (such as structural, functional, and spatial information, amino acid conservation, physicochemical variation, residue mobility, and thermodynamic stability) performed at Invitae indicates that this missense variant is expected to disrupt RAD50 protein function. In summary, the available evidence is currently insufficient to determine the role of this variant in disease. Therefore, it has been classified as a Variant of Uncertain Significance.